The following is an entry in ClinVar:

ClinVar aggregate classification (germline): Uncertain significance (1 of 4 stars; one submission).

Conditions:
Congenital dyserythropoietic anemia, type II (CDAN2). Also called: DYSERYTHROPOIETIC ANEMIA, HEMPAS TYPE. Identifiers: Orphanet 98873, MedGen C1306589, MONDO:0009134, OMIM 224100.
Cowden syndrome 7 (CWS7). Identifiers: Orphanet 201, MedGen C4225179, MONDO:0014802, OMIM 616858.

Allele frequency attached by ClinVar (database versions not stated): gnomAD exomes below 0.00001; gnomAD 0.00001; TOPMed 0.00001; ExAC 0.00002; ESP Exome Variant Server 0.00008.
gnomAD v4.1: 8 of 1,614,060 alleles (0.0005%); highest among the groups gnomAD compares: African/African-American, 0.004%; no homozygotes.

Submission:

Labcorp Genetics (formerly Invitae), Labcorp
Classification: Uncertain significance for Congenital dyserythropoietic anemia, type II; Cowden syndrome 7. Last evaluated: 2025-03-31. Review status: criteria provided, single submitter. Criteria: Invitae Variant Classification Sherloc (09022015). Collection method: clinical testing. Allele origin: germline.
Comment: This sequence change replaces proline, which is neutral and non-polar, with leucine, which is neutral and non-polar, at codon 49 of the SEC23B protein (p.Pro49Leu). This variant is present in population databases (rs151126375, gnomAD 0.007%). This variant has not been reported in the literature in individuals affected with SEC23B-related conditions. ClinVar contains an entry for this variant (Variation ID: 2178799). Invitae Evidence Modeling of protein sequence and biophysical properties (such as structural, functional, and spatial information, amino acid conservation, physicochemical variation, residue mobility, and thermodynamic stability) indicates that this missense variant is not expected to disrupt SEC23B protein function with a negative predictive value of 95%. In summary, the available evidence is currently insufficient to determine the role of this variant in disease. Therefore, it has been classified as a Variant of Uncertain Significance.

NM_006363.6(SEC23B):c.146C>T (p.Pro49Leu)

Gene: SEC23B (SEC23 homolog B, COPII component; plus strand). Cytogenetic location: 20p11.23.
Variant type: single nucleotide variant.
Coding change: c.146C>T on transcript NM_006363.6 (MANE Select); coding-DNA position 146, C replaced by T.
Protein change: p.Pro49Leu; replaces proline 49 with leucine.
Molecular consequence: missense variant.
Genome position (GRCh38, 1-based): chr20:18,510,981, C>T. VCF-style: chr20-18510981-C-T. GRCh37 (hg19) VCF-style: chr20-18491625-C-T.
Other names: c.146C>T, p.Pro49Leu (NM_001172745.3, NM_001172746.3, NM_032985.6 and 1 more transcripts); short protein forms P49L.
Identifiers: ClinVar variation 2178799 (VCV002178799.2), dbSNP rs151126375, ClinGen allele CA9777933.